The following is an entry in ClinVar:

NM_001458.5(FLNC):c.3052G>A (p.Gly1018Ser)

Gene: FLNC (filamin C; plus strand). Cytogenetic location: 7q32.1.
Variant type: single nucleotide variant.
Coding change: c.3052G>A on transcript NM_001458.5 (MANE Select); coding-DNA position 3052, G replaced by A.
Protein change: p.Gly1018Ser; replaces glycine 1018 with serine.
Molecular consequence: missense variant.
Genome position (GRCh38, 1-based): chr7:128,844,126, G>A. VCF-style: chr7-128844126-G-A. GRCh37 (hg19) VCF-style: chr7-128484180-G-A.
Other names: c.3052G>A, p.Gly1018Ser (NM_001127487.2); short protein forms G1018S.
Identifiers: ClinVar variation 1487098 (VCV001487098.8), dbSNP rs2128936181, ClinGen allele CA369194114.

ClinVar aggregate classification (germline): Uncertain significance (1 of 4 stars; one submission).

Conditions:
Myofibrillar myopathy 5. Also called: FILAMINOPATHY, AUTOSOMAL DOMINANT; Filaminopathy (type). Identifiers: Orphanet 171445, MedGen C1836050, MONDO:0012289, OMIM 609524.
Distal myopathy with posterior leg and anterior hand involvement. Also called: WILLIAMS DISTAL MYOPATHY. Identifiers: Orphanet 63273, MedGen C3279722, MONDO:0013550, OMIM 614065.
Hypertrophic cardiomyopathy 26. Also called: Cardiomyopathy, familial hypertrophic, 26. Identifiers: Orphanet 75249, MedGen C4310749, MONDO:0014883, OMIM 617047.

Submission:

Labcorp Genetics (formerly Invitae), Labcorp
Classification: Uncertain significance for Distal myopathy with posterior leg and anterior hand involvement; Myofibrillar myopathy 5; Hypertrophic cardiomyopathy 26. Last evaluated: 2020-11-21. Review status: criteria provided, single submitter. Criteria: Invitae Variant Classification Sherloc (09022015). Collection method: clinical testing. Allele origin: germline.
Comment: This sequence change replaces glycine with serine at codon 1018 of the FLNC protein (p.Gly1018Ser). The glycine residue is moderately conserved and there is a small physicochemical difference between glycine and serine. This variant is not present in population databases (ExAC no frequency). This variant has not been reported in the literature in individuals with FLNC-related conditions. Algorithms developed to predict the effect of missense changes on protein structure and function (SIFT, PolyPhen-2, Align-GVGD) all suggest that this variant is likely to be tolerated, but these predictions have not been confirmed by published functional studies and their clinical significance is uncertain. In summary, the available evidence is currently insufficient to determine the role of this variant in disease. Therefore, it has been classified as a Variant of Uncertain Significance.